The following is an entry in ClinVar:

ClinVar aggregate classification (germline): Conflicting classifications of pathogenicity. Review status: criteria provided, conflicting classifications (1 of 4 stars). 2 submissions from 1 submitter: Pathogenic (1); Uncertain significance (1). Last evaluated 2020-08-03.

Conditions:
Global developmental delay with or without impaired intellectual development. Identifiers: MedGen C5193032, MONDO:0032680, OMIM 618330.
Intellectual disability. Also called: Intellectual functioning disability; Intellectual developmental disorder; intellectual disabilities. Identifiers: MedGen C3714756, MeSH D008607, MONDO:0001071, HP:0001249.

Submissions (2):

Institute of Human Genetics, University of Leipzig Medical Center
Classification: Pathogenic for Intellectual disability. Last evaluated: 2020-08-03. Review status: criteria provided, single submitter. Criteria: ACMG Guidelines, 2015. Collection method: clinical testing. Allele origin: unknown. Affected: yes.
Comment: Inheritance for this variant was unknown. The variant likely explains the NDD in this individual.

Institute of Human Genetics, University of Leipzig Medical Center
Classification: Uncertain significance for Global developmental delay with or without impaired intellectual development. Last evaluated: 2019-01-01. Review status: criteria provided, single submitter. Criteria: ACMG Guidelines, 2015. Collection method: clinical testing. Allele origin: unknown. Affected: yes.

NM_001913.5(CUX1):c.63+1G>A

Gene: CUX1 (cut like homeobox 1; plus strand). Cytogenetic location: 7q22.1.
Variant type: single nucleotide variant.
Coding change: c.63+1G>A on transcript NM_001913.5 (MANE Plus Clinical); the canonical splice donor site of the intron after coding-DNA position 63, G replaced by A.
Molecular consequence: splice donor variant.
Genome position (GRCh38, 1-based): chr7:101,816,094, G>A. VCF-style: chr7-101816094-G-A. GRCh37 (hg19) VCF-style: chr7-101459374-G-A.
Other names: c.63+1G>A (NM_181500.4, NM_001202545.3, NM_001202544.3 and 2 more transcripts).
Identifiers: ClinVar variation 977603 (VCV000977603.4), dbSNP rs1791729069, ClinGen allele CA368899975.
Genomic context (GRCh38, chr7:101,816,094, plus strand): 5'-GCGGCCAATGTGGGATCGATGTTTCAATATTGGAAGCGCTTTGATTTACAGCAGCTGCAG[G>A]TCAGGCTCCTCCGCGCTCGGCCTCGCGCCCGGGGGTGGGGGCTGCGGGCGGTCGCGGCCT-3'